The following is an entry in ClinVar:

NM_001365536.1(SCN9A):c.5964dup (p.Ter1989IleextTer?)

Genes: SCN9A (sodium voltage-gated channel alpha subunit 9; minus strand), SCN1A-AS1 (SCN1A and SCN9A antisense RNA 1; plus strand). Cytogenetic location: 2q24.3.
Variant type: Duplication.
Coding change: c.5964dup on transcript NM_001365536.1 (MANE Select); coding-DNA position 5964, one base duplicated (A; older notation c.5964dupA).
Protein change: p.Ter1989IleextTer?.
Molecular consequence: frameshift variant, stop lost.
Genome position (GRCh38, 1-based): chr2:166,198,675, T duplicated on the plus strand (A on the coding strand, the reverse complement: SCN9A is on the minus strand); the first of 6 consecutive T bases (chr2:166,198,675-166,198,680); duplicating any one gives the same sequence. VCF-style (leftmost placement, unchanged base first): chr2-166198674-A-AT. GRCh37 (hg19) VCF-style: chr2-167055184-A-AT.
Other names: c.5926dup, p.Ter1978Ilefs (NM_002977.4).
Identifiers: ClinVar variation 2949826 (VCV002949826.4), dbSNP rs1558938258, ClinGen allele CA645537217.

ClinVar aggregate classification (germline): Uncertain significance. Review status: criteria provided, multiple submitters, no conflicts (2 of 4 stars). 2 submissions from 2 submitters: Uncertain significance (2). Last evaluated 2024-02-05.

Conditions:
Neuropathy, hereditary sensory and autonomic, type 2A (HSAN2A). Also called: ACROOSTEOLYSIS, GIACCAI TYPE; ACROOSTEOLYSIS, NEUROGENIC; MORVAN DISEASE; NEUROPATHY, CONGENITAL SENSORY; NEUROPATHY, HEREDITARY SENSORY RADICULAR, AUTOSOMAL RECESSIVE; NEUROPATHY, HEREDITARY SENSORY, TYPE IIA. Identifiers: Orphanet 970, MedGen C2752089, MONDO:0024309, OMIM 201300.
Generalized epilepsy with febrile seizures plus, type 7 (GEFSP7). Also called: GEFS+, TYPE 7. Identifiers: Orphanet 36387, MedGen C2751778, MONDO:0013470, OMIM 613863.

Submissions (2):

GeneDx
Classification: Uncertain significance. Last evaluated: 2024-02-05. Review status: criteria provided, single submitter. Criteria: GeneDx Variant Classification Process June 2021. Collection method: clinical testing. Allele origin: germline. Affected: yes.
Comment: Not observed at significant frequency in large population cohorts (gnomAD); Stop codon loss and change to an isoleucine codon, leading to protein extension and the addition of 5 amino acids at the C-terminus; Has not been previously published as pathogenic or benign to our knowledge

Labcorp Genetics (formerly Invitae), Labcorp
Classification: Uncertain significance for Neuropathy, hereditary sensory and autonomic, type 2A; Generalized epilepsy with febrile seizures plus, type 7. Last evaluated: 2023-07-13. Review status: criteria provided, single submitter. Criteria: Invitae Variant Classification Sherloc (09022015). Collection method: clinical testing. Allele origin: germline.
Comment: This sequence change disrupts the translational stop signal of the SCN9A mRNA. It is expected to extend the length of the SCN9A protein by 5 additional amino acid residues. This variant has not been reported in the literature in individuals affected with SCN9A-related conditions. This variant is not present in population databases (gnomAD no frequency). Experimental studies and prediction algorithms are not available or were not evaluated, and the functional significance of this variant is currently unknown. In summary, the available evidence is currently insufficient to determine the role of this variant in disease. Therefore, it has been classified as a Variant of Uncertain Significance.